The following is an entry in ClinVar:

ClinVar aggregate classification (germline): Uncertain significance (1 of 4 stars; one submission).

Conditions:
Inborn genetic diseases. Identifiers: MedGen C0950123, MeSH D030342.

Submission:

Ambry Genetics
Classification: Uncertain significance for Inborn genetic diseases. Last evaluated: 2025-05-08. Review status: criteria provided, single submitter. Criteria: Ambry Variant Classification Scheme 2023. Collection method: clinical testing. Allele origin: germline.
Comment: The c.4176_6275del (p.S1392_E2092delinsR) alteration, located in coding exon 11 of the ACAN gene, results from an in-frame deletion of 2100 nucleotides at nucleotide positions 4176 to 6275. This results in the deletion of 701 amino acids and the insertion of an arginine residue between codons 1392 and 2092. The resulting transcript is predicted to preserve the reading frame and is not expected to trigger nonsense-mediated mRNA decay. However, gross deletions are typically deleterious in nature. This variant was not reported in population-based cohorts in the Genome Aggregation Database (gnomAD). Based on insufficient or conflicting evidence, the clinical significance of this alteration remains unclear.

NM_001369268.1(ACAN):c.4176_6275del (p.Ser1392_Glu2092delinsArg)

Gene: ACAN (aggrecan; plus strand). Cytogenetic location: 15q26.1.
Variant type: Deletion.
Coding change: c.4176_6275del on transcript NM_001369268.1 (MANE Select); coding-DNA positions 4176 to 6275, 2,100 bases deleted.
Protein change: p.Ser1392_Glu2092delinsArg.
Molecular consequence: inframe indel.
Genome position (GRCh38, 1-based): chr15:88,856,761-88,858,860, 2,100 bases deleted. GRCh37 (hg19): chr15:89,399,992-89,402,091.
Other names: c.4176_6275del, p.Ser1392_Glu2092delinsArg (NM_001135.4, NM_001411096.1, NM_001411097.1 and 1 more transcripts).
Identifiers: ClinVar variation 3996902 (VCV003996902.1).